The following is an entry in ClinVar:

ClinVar aggregate classification (germline): Pathogenic. Review status: criteria provided, multiple submitters, no conflicts (2 of 4 stars). 3 submissions from 3 submitters: Pathogenic (3). Last evaluated 2023-09-12.

Conditions:
Familial cancer of breast. Also called: BREAST CANCER, FAMILIAL; Hereditary breast cancer; hereditary breast carcinoma. Identifiers: Orphanet 227535, MedGen C0346153, MONDO:0016419, OMIM 114480. Disease mechanism: loss of function.
Hereditary cancer-predisposing syndrome. Also called: Hereditary Cancer Syndrome; Hereditary neoplastic syndrome; Neoplastic Syndromes, Hereditary; Tumor predisposition. Identifiers: Orphanet 140162, MedGen C0027672, MeSH D009386, MONDO:0015356.

Submissions (3):

Myriad Genetics, Inc.
Classification: Pathogenic for Familial cancer of breast. Last evaluated: 2023-09-12. Review status: criteria provided, single submitter. Criteria: Myriad Autosomal Dominant, Autosomal Recessive and X-Linked Classification Criteria (2023). Collection method: clinical testing. Allele origin: unknown.
Comment: This variant is considered pathogenic. This variant creates a frameshift predicted to result in premature protein truncation.

Labcorp Genetics (formerly Invitae), Labcorp
Classification: Pathogenic for Familial cancer of breast. Last evaluated: 2021-07-03. Review status: criteria provided, single submitter. Criteria: Invitae Variant Classification Sherloc (09022015). Collection method: clinical testing. Allele origin: germline.
Comment: For these reasons, this variant has been classified as Pathogenic. This variant has not been reported in the literature in individuals affected with PALB2-related conditions. This variant is not present in population databases (ExAC no frequency). This sequence change creates a premature translational stop signal (p.Met664Serfs*52) in the PALB2 gene. It is expected to result in an absent or disrupted protein product. Loss-of-function variants in PALB2 are known to be pathogenic (PMID: 17200668, 24136930, 25099575).

Ambry Genetics
Classification: Pathogenic for Hereditary cancer-predisposing syndrome. Last evaluated: 2020-06-15. Review status: criteria provided, single submitter. Criteria: Ambry Variant Classification Scheme 2023. Collection method: clinical testing. Allele origin: germline.
Comment: The c.1990_1991insGTTC variant, located in coding exon 5 of the PALB2 gene, results from an insertion of 4 nucleotides at position 1990, causing a translational frameshift with a predicted alternate stop codon (p.M664Sfs*52). This alteration is expected to result in loss of function by premature protein truncation or nonsense-mediated mRNA decay. As such, this alteration is interpreted as a disease-causing mutation.

Literature cited by the submitters: PubMed 17200668 (cited by Labcorp Genetics (formerly Invitae), Labcorp); PubMed 24136930 (cited by Labcorp Genetics (formerly Invitae), Labcorp); PubMed 25099575 (cited by Labcorp Genetics (formerly Invitae), Labcorp).

NM_024675.4(PALB2):c.1990_1991insGTTC (p.Met664fs)

Gene: PALB2 (partner and localizer of BRCA2; minus strand). Cytogenetic location: 16p12.2.
Variant type: Insertion.
Coding change: c.1990_1991insGTTC on transcript NM_024675.4 (MANE Select); coding-DNA positions 1990 to 1991, GTTC inserted.
Protein change: p.Met664fs; shifts the reading frame from methionine 664.
Molecular consequence: frameshift variant.
Genome position: GRCh38 VCF-style: chr16-23630163-A-AGAAC. GRCh37 (hg19) VCF-style: chr16-23641484-A-AGAAC.
Other names: short protein forms M664fs.
Identifiers: ClinVar variation 1448783 (VCV001448783.10), dbSNP rs2142384044, ClinGen allele CA2573152227.
Genomic context (GRCh38, chr16:23,630,163, plus strand): 5'-GGATGTGATTTTCCTGGTAGAACAATAAGGTCCTCTTCTAAGTCCTCCATTTCTGTATCC[A>AGAAC]TGCGTTTAGGACTCAGTTCCTCTGGAAAAATACAGCTTCCCTCTTTAAGATGTCTCTCTC-3'